The following is an entry in ClinVar:

ClinVar aggregate classification (germline): Uncertain significance (1 of 4 stars; one submission).

Conditions:
DICER1-related tumor predisposition. Also called: DICER1 syndrome; DICER1-related pleuropulmonary blastoma cancer predisposition syndrome. Identifiers: Orphanet 284343, MedGen C3839822, MONDO:0100216.

Submission:

Labcorp Genetics (formerly Invitae), Labcorp
Classification: Uncertain significance for DICER1-related tumor predisposition. Last evaluated: 2024-11-24. Review status: criteria provided, single submitter. Criteria: Invitae Variant Classification Sherloc (09022015). Collection method: clinical testing. Allele origin: germline.
Comment: This sequence change replaces proline, which is neutral and non-polar, with arginine, which is basic and polar, at codon 1213 of the DICER1 protein (p.Pro1213Arg). This variant is not present in population databases (gnomAD no frequency). This variant has not been reported in the literature in individuals affected with DICER1-related conditions. Invitae Evidence Modeling of protein sequence and biophysical properties (such as structural, functional, and spatial information, amino acid conservation, physicochemical variation, residue mobility, and thermodynamic stability) indicates that this missense variant is not expected to disrupt DICER1 protein function with a negative predictive value of 95%. In summary, the available evidence is currently insufficient to determine the role of this variant in disease. Therefore, it has been classified as a Variant of Uncertain Significance.

NM_177438.3(DICER1):c.3638C>G (p.Pro1213Arg)

Gene: DICER1 (dicer 1, ribonuclease III; minus strand). Cytogenetic location: 14q32.13.
Variant type: single nucleotide variant.
Coding change: c.3638C>G on transcript NM_177438.3 (MANE Select); coding-DNA position 3638, C replaced by G.
Protein change: p.Pro1213Arg; replaces proline 1213 with arginine.
Molecular consequence: missense variant. On other transcripts: non-coding transcript variant (6).
Genome position (GRCh38, 1-based): chr14:95,103,758, G>C on the plus strand (C>G on the coding strand, the complement: DICER1 is on the minus strand). VCF-style: chr14-95103758-G-C. GRCh37 (hg19) VCF-style: chr14-95570095-G-C.
Other names: c.3233C>G, p.Pro1078Arg (NM_001395696.1, NM_001395687.1, NM_001395688.1 and 2 more transcripts); c.1955C>G, p.Pro652Arg (NM_001395697.1); c.3638C>G, p.Pro1213Arg (NM_030621.4, NM_001395695.1, NM_001195573.1 and 12 more transcripts); c.3356C>G, p.Pro1119Arg (NM_001395686.1); c.3071C>G, p.Pro1024Arg (NM_001395691.1); short protein forms P652R, P1024R, P1078R, P1119R, P1213R.
Identifiers: ClinVar variation 3720193 (VCV003720193.2).